The following is an entry in ClinVar:

ClinVar aggregate classification (germline): Uncertain significance (1 of 4 stars; one submission).

Conditions:
Cardiovascular phenotype. Identifiers: MedGen CN230736.

Submission:

Ambry Genetics
Classification: Uncertain significance for Cardiovascular phenotype. Last evaluated: 2025-01-16. Review status: criteria provided, single submitter. Criteria: Ambry Variant Classification Scheme 2023. Collection method: clinical testing. Allele origin: germline.
Comment: The p.H802Y variant (also known as c.2404C>T), located in coding exon 15 of the DSC2 gene, results from a C to T substitution at nucleotide position 2404. The histidine at codon 802 is replaced by tyrosine, an amino acid with similar properties. This amino acid position is conserved. In addition, this alteration is predicted to be tolerated by in silico analysis. Based on the available evidence, the clinical significance of this variant remains unclear.

NM_024422.6(DSC2):c.2404C>T (p.His802Tyr)

Gene: DSC2 (desmocollin 2; minus strand). Cytogenetic location: 18q12.1.
Variant type: single nucleotide variant.
Coding change: c.2404C>T on transcript NM_024422.6 (MANE Select); coding-DNA position 2404, C replaced by T.
Protein change: p.His802Tyr; replaces histidine 802 with tyrosine.
Molecular consequence: missense variant.
Genome position (GRCh38, 1-based): chr18:31,068,998, G>A on the plus strand (C>T on the coding strand, the complement: DSC2 is on the minus strand). VCF-style: chr18-31068998-G-A. GRCh37 (hg19) VCF-style: chr18-28648964-G-A.
Other names: c.1975C>T, p.His659Tyr (NM_001406506.1, NM_001406507.1); c.2404C>T, p.His802Tyr (NM_004949.5); short protein forms H802Y, H659Y.
Identifiers: ClinVar variation 3842517 (VCV003842517.1).